The following is an entry in ClinVar:

NM_005529.7(HSPG2):c.8899G>A (p.Ala2967Thr)

Gene: HSPG2 (heparan sulfate proteoglycan 2; minus strand). Cytogenetic location: 1p36.12.
Variant type: single nucleotide variant.
Coding change: c.8899G>A on transcript NM_005529.7 (MANE Select); coding-DNA position 8899, G replaced by A.
Protein change: p.Ala2967Thr; replaces alanine 2967 with threonine.
Molecular consequence: missense variant.
Genome position (GRCh38, 1-based): chr1:21,842,781, C>T on the plus strand (G>A on the coding strand, the complement: HSPG2 is on the minus strand). VCF-style: chr1-21842781-C-T. GRCh37 (hg19) VCF-style: chr1-22169274-C-T.
Other names: c.8902G>A, p.Ala2968Thr (NM_001291860.2); short protein forms A2967T, A2968T.
Identifiers: ClinVar variation 295767 (VCV000295767.26), dbSNP rs143274889, ClinGen allele CA670628.

ClinVar aggregate classification (germline): Conflicting classifications of pathogenicity. Review status: criteria provided, conflicting classifications (1 of 4 stars). 10 submissions from 9 submitters: Uncertain significance (7); Likely benign (2). 1 of the submissions does not count toward it. Last evaluated 2026-07-01.

Conditions:
Inborn genetic diseases. Identifiers: MedGen C0950123, MeSH D030342.
Lethal Kniest-like syndrome (DDSH). Also called: Dyssegmental Dysplasia. Identifiers: Orphanet 1865, MedGen C1857100, MONDO:0009140, OMIM 224410.
Schwartz-Jampel syndrome. Also called: Myotonic myopathy dwarfism chondrodystrophy and ocular and facial abnormalities. Identifiers: Orphanet 800, MedGen C0036391, MONDO:0009717.

Allele frequency attached by ClinVar (database versions not stated): ESP Exome Variant Server 0.00015; 1000 Genomes Project 30x 0.00016; 1000 Genomes Project 0.00020; ExAC 0.00022; gnomAD 0.00029 and 0.00030; gnomAD exomes 0.00033; TOPMed 0.00039.
gnomAD v4.1: 364 of 1,612,994 alleles (0.023%); highest among the groups gnomAD compares: Admixed American, 0.092%; no homozygotes.

Submissions (10):

CeGaT Center for Human Genetics Tuebingen
Classification: Likely benign. Last evaluated: 2026-07-01. Review status: criteria provided, single submitter. Criteria: CeGaT Center For Human Genetics Tuebingen Variant Classification Criteria Version 2. Collection method: clinical testing. Allele origin: germline. Affected: yes. Observed: 1 variant allele.
Comment: HSPG2: BP4

GeneDx
Classification: Uncertain significance. Last evaluated: 2025-12-09. Review status: criteria provided, single submitter. Criteria: GeneDx Variant Classification Process June 2021. Collection method: clinical testing. Allele origin: germline. Affected: yes.
Comment: In silico analysis suggests that this missense variant does not alter protein structure/function; Has not been previously published as pathogenic or benign to our knowledge

Labcorp Genetics (formerly Invitae), Labcorp
Classification: Uncertain significance. Last evaluated: 2024-11-05. Review status: criteria provided, single submitter. Criteria: Invitae Variant Classification Sherloc (09022015). Collection method: clinical testing. Allele origin: germline.
Comment: This sequence change replaces alanine, which is neutral and non-polar, with threonine, which is neutral and polar, at codon 2967 of the HSPG2 protein (p.Ala2967Thr). This variant is present in population databases (rs143274889, gnomAD 0.1%). This variant has not been reported in the literature in individuals affected with HSPG2-related conditions. ClinVar contains an entry for this variant (Variation ID: 295767). An algorithm developed to predict the effect of missense changes on protein structure and function outputs the following: PolyPhen-2: "Benign". The threonine amino acid residue is found in multiple mammalian species, which suggests that this missense change does not adversely affect protein function. In summary, the available evidence is currently insufficient to determine the role of this variant in disease. Therefore, it has been classified as a Variant of Uncertain Significance.

Ambry Genetics
Classification: Uncertain significance for Inborn genetic diseases. Last evaluated: 2024-09-11. Review status: criteria provided, single submitter. Criteria: Ambry Variant Classification Scheme 2023. Collection method: clinical testing. Allele origin: germline.

Laboratorio de Genetica e Diagnostico Molecular, Hospital Israelita Albert Einstein
Classification: Likely benign. Last evaluated: 2020-02-24. Review status: criteria provided, single submitter. Criteria: ACMG Guidelines, 2015. Collection method: clinical testing. Allele origin: germline. Affected: yes.
Comment: ACMG classification criteria: PM2, BP1, BP4

Revvity Omics, Revvity
Classification: Uncertain significance. Last evaluated: 2019-12-08. Review status: criteria provided, single submitter. Criteria: ACMG Guidelines, 2015. Collection method: clinical testing. Allele origin: germline.

Illumina Laboratory Services, Illumina
Classification: Uncertain significance for Schwartz-Jampel syndrome type 1. Last evaluated: 2018-01-12. Review status: criteria provided, single submitter. Criteria: ICSL Variant Classification Criteria 13 December 2019. Collection method: clinical testing. Allele origin: germline.

Illumina Laboratory Services, Illumina
Classification: Uncertain significance for Lethal Kniest-like syndrome. Last evaluated: 2018-01-12. Review status: criteria provided, single submitter. Criteria: ICSL Variant Classification Criteria 13 December 2019. Collection method: clinical testing. Allele origin: germline.

Eurofins Ntd Llc (ga)
Classification: Uncertain significance. Last evaluated: 2017-12-27. Review status: criteria provided, single submitter. Criteria: EGL Classification Definitions 2015. Collection method: clinical testing. Allele origin: germline. Observed: 1 variant allele, 1 heterozygote.

Department of Pathology and Laboratory Medicine, Sinai Health System
Classification: Uncertain significance. Review status: no assertion criteria provided. Collection method: clinical testing. Allele origin: unknown. Affected: yes. Study: The Canadian Open Genetics Repository (COGR). Not counted in ClinVar's aggregate classification.
Comment: The HSPG2 p.Ala2968Thr variant was not identified in the literature nor was it identified in Cosmic or LOVD 3.0. The variant was identified in dbSNP (ID: rs143274889) and in ClinVar (classified as a VUS by Illumina Clinical Services and EGL Genetics for type 1 Schwartz Jampel syndrome and Dyssegmental Dysplasia). The variant was also identified in control databases in 90 of 281014 chromosomes at a frequency of 0.00032 (Genome Aggregation Database Feb 27, 2017) and was observed in the following populations: Other in 7 of 7186 chromosomes (freq: 0.000974), Latino in 34 of 35422 chromosomes (freq: 0.00096), Ashkenazi Jewish in 9 of 10328 chromosomes (freq: 0.000871), African in 10 of 24444 chromosomes (freq: 0.000409) and European (non-Finnish) in 30 of 128028 chromosomes (freq: 0.000234), while the variant was not observed in the East Asian, European (Finnish) or South Asian populations. The variant occurs outside of the splicing consensus sequence and in silico or computational prediction software programs (SpliceSiteFinder, MaxEntScan, NNSPLICE, GeneSplicer) do not predict a difference in splicing. The p.Ala2968 residue is conserved in mammals and 4 of 5 computational analyses (PolyPhen-2, SIFT, AlignGVGD, BLOSUM) do not suggest a high likelihood of impact to the protein; this information is not very predictive of pathogenicity. In summary, based on the above information the clinical significance of this variant cannot be determined with certainty at this time. This variant is classified as a variant of uncertain significance.